The following is an entry in ClinVar:

ClinVar aggregate classification (germline): Uncertain significance (1 of 4 stars; one submission).

Allele frequency attached by ClinVar (database versions not stated): gnomAD exomes below 0.00001.
gnomAD v4.1: 3 of 1,612,986 alleles (0.00019%); highest among the groups gnomAD compares: African/African-American, 0.0013%; no homozygotes.

Submission:

GeneDx
Classification: Uncertain significance. Last evaluated: 2021-01-15. Review status: criteria provided, single submitter. Criteria: GeneDx Variant Classification Process June 2021. Collection method: clinical testing. Allele origin: germline. Affected: yes.
Comment: Not observed in large population cohorts (Lek et al., 2016); In silico analysis supports that this missense variant does not alter protein structure/function; Has not been previously published as pathogenic or benign to our knowledge

NM_014208.3(DSPP):c.4A>G (p.Lys2Glu)

Genes: DMP1-AS1 (DMP1 and DSPP antisense RNA 1; minus strand), DSPP (dentin sialophosphoprotein; plus strand). Cytogenetic location: 4q22.1.
Variant type: single nucleotide variant.
Coding change: c.4A>G on transcript NM_014208.3 (MANE Select); coding-DNA position 4, A replaced by G.
Protein change: p.Lys2Glu; replaces lysine 2 with glutamic acid.
Molecular consequence: missense variant.
Genome position (GRCh38, 1-based): chr4:87,610,912, A>G. VCF-style: chr4-87610912-A-G. GRCh37 (hg19) VCF-style: chr4-88532064-A-G.
Other names: short protein forms K2E.
Identifiers: ClinVar variation 1314005 (VCV001314005.2), dbSNP rs2109994803, ClinGen allele CA357601817.
Genomic context (GRCh38, chr4:87,610,912, plus strand): 5'-TAATTTTGTGCTGTTCCTTTTTTATACAGCCATTGATTATTATTATTCCTAAAGAAAATG[A>G]AGATAATTACATATTTTTGCATTTGGGCAGTAGCATGGGCCATTCCAGTAAGTATGCCTT-3'
Protein context (NP_055023.2, residues 1-12): M[Lys2Glu]IITYFCIWAV